The following is an entry in ClinVar:

ClinVar aggregate classification (germline): Uncertain significance (1 of 4 stars; one submission).

Conditions:
Epidermolysis bullosa simplex 3, localized or generalized intermediate, with BP230 deficiency (EBS3). Also called: Epidermolysis bullosa simplex, autosomal recessive 2; Epidermolysis bullosa simplex due to BP230 deficiency. Identifiers: Orphanet 412181, MedGen C3809470, MONDO:0014180, OMIM 615425.
Hereditary sensory and autonomic neuropathy type 6. Also called: Neuropathy, hereditary sensory and autonomic, type VI; HSAN VI. Identifiers: Orphanet 314381, MedGen C3539003, MONDO:0013839, OMIM 614653.

Submission:

Labcorp Genetics (formerly Invitae), Labcorp
Classification: Uncertain significance for Epidermolysis bullosa simplex 3, localized or generalized intermediate, with BP230 deficiency; Hereditary sensory and autonomic neuropathy type 6. Last evaluated: 2019-01-25. Review status: criteria provided, single submitter. Criteria: Invitae Variant Classification Sherloc (09022015). Collection method: clinical testing. Allele origin: germline.
Comment: This sequence change replaces lysine with threonine at codon 1885 of the DST protein (p.Lys1885Thr). The lysine residue is moderately conserved and there is a moderate physicochemical difference between lysine and threonine. The DST gene has multiple clinically relevant transcripts. The p.Lys1885Thr variant occurs in alternate transcript NM_015548.4, which corresponds to¬¨‚Ä†c.*42739A>C¬¨‚Ä†in¬¨‚Ä†NM_001723.5, the primary transcript listed in the Methods. This variant is not present in population databases (ExAC no frequency). This variant has not been reported in the literature in individuals with DST-related conditions. Algorithms developed to predict the effect of missense changes on protein structure and function are either unavailable or do not agree on the potential impact of this missense change (SIFT: "Tolerated"; PolyPhen-2: "Not Available"; Align-GVGD: "ClassC0"). In summary, the available evidence is currently insufficient to determine the role of this variant in disease. Therefore, it has been classified as a Variant of Uncertain Significance.

NM_001374736.1(DST):c.13523A>C (p.Lys4508Thr)

Gene: DST (dystonin; minus strand). Cytogenetic location: 6p12.1.
Variant type: single nucleotide variant.
Coding change: c.13523A>C on transcript NM_001374736.1 (MANE Select); coding-DNA position 13523, A replaced by C.
Protein change: p.Lys4508Thr; replaces lysine 4508 with threonine.
Molecular consequence: missense variant.
Genome position (GRCh38, 1-based): chr6:56,572,778, T>G on the plus strand (A>C on the coding strand, the complement: DST is on the minus strand). VCF-style: chr6-56572778-T-G. GRCh37 (hg19) VCF-style: chr6-56437576-T-G.
Other names: c.7166A>C, p.Lys2389Thr (NM_001144769.5); c.6752A>C, p.Lys2251Thr (NM_001144770.2); c.13523A>C, p.Lys4508Thr (NM_001374722.1); c.12890A>C, p.Lys4297Thr (NM_001374729.1); c.6632A>C, p.Lys2211Thr (NM_001374730.1, NM_183380.4); c.13550A>C, p.Lys4517Thr (NM_001374734.1); c.5654A>C, p.Lys1885Thr (NM_015548.5); short protein forms K4297T, K2251T, K4517T, K2211T, K2389T, K4508T, K1885T.
Identifiers: ClinVar variation 972155 (VCV000972155.7), dbSNP rs2097796893, ClinGen allele CA364526915.